The following is an entry in ClinVar:

NM_001394372.1(BICRA):c.1255C>G (p.Leu419Val)

Gene: BICRA (BRD4 interacting chromatin remodeling complex associated protein; plus strand). Cytogenetic location: 19q13.33.
Variant type: single nucleotide variant.
Coding change: c.1255C>G on transcript NM_001394372.1 (MANE Select); coding-DNA position 1255, C replaced by G.
Protein change: p.Leu419Val; replaces leucine 419 with valine.
Molecular consequence: missense variant.
Genome position (GRCh38, 1-based): chr19:47,680,425, C>G. VCF-style: chr19-47680425-C-G. GRCh37 (hg19) VCF-style: chr19-48183682-C-G.
Other names: c.1255C>G, p.Leu419Val (NM_015711.3); short protein forms L419V.
Identifiers: ClinVar variation 4755796 (VCV004755796.1).
Genomic context (GRCh38, chr19:47,680,425, plus strand): 5'-TTCATGGCGGCGGGGAAGGCGGGCCAGAACGTGGTGCTGTCGGGCTTCCCCGCGCCTGCG[C>G]TGCAAGCGAACGTCTTCAAGCAGCCACCGGCCACCACCACCGGAGCGGCCCCGCCGCAGC-3'
Protein context (NP_001381301.1, residues 409-429): VVLSGFPAPA[Leu419Val]QANVFKQPPA

ClinVar aggregate classification (germline): Uncertain significance (1 of 4 stars; one submission).

Submission:

GeneDx
Classification: Uncertain significance. Last evaluated: 2025-08-05. Review status: criteria provided, single submitter. Criteria: GeneDx Variant Classification Process June 2021. Collection method: clinical testing. Allele origin: germline. Affected: yes.
Comment: Not observed at significant frequency in large population cohorts (gnomAD); In silico analysis suggests that this missense variant does not alter protein structure/function; Has not been previously published as pathogenic or benign to our knowledge